The following is an entry in ClinVar:

NM_001569.4(IRAK1):c.909+9A>G

Gene: IRAK1 (interleukin 1 receptor associated kinase 1; minus strand). Cytogenetic location: Xq28.
Variant type: single nucleotide variant.
Coding change: c.909+9A>G on transcript NM_001569.4 (MANE Select); 9 bases into the intron after coding-DNA position 909, A replaced by G.
Molecular consequence: intron variant.
Genome position (GRCh38, 1-based): chrX:154,017,997, T>C on the plus strand (A>G on the coding strand, the complement: IRAK1 is on the minus strand). VCF-style: chrX-154017997-T-C. GRCh37 (hg19) VCF-style: chrX-153283448-T-C.
Other names: c.909+9A>G (NM_001025243.2, NM_001025242.2); c.987+9A>G (NM_001410701.1).
Identifiers: ClinVar variation 3054486 (VCV003054486.2), dbSNP rs2065752119, ClinGen allele CA2466565001.
Genomic context (GRCh38, chrX:154,017,997, plus strand): 5'-CGCCCGGCTCCAGCCAGGTGTCAGGAGTGCTTTGGGTCCTGGGAAGCGTGCCGGGCCAGG[T>C]GAGCCTACCTGGCAGTGGAGACGGTCCTCCAGGGAGCCGTTGGGCAGGAAGCCGTACACC-3'

ClinVar aggregate classification (germline): Likely benign (0 of 4 stars; one submission).

Conditions:
IRAK1-related disorder. Also called: IRAK1-related condition.

Submission:

PreventionGenetics, part of Exact Sciences
Classification: Likely benign for IRAK1-related condition. Last evaluated: 2020-05-04. Review status: no assertion criteria provided. Collection method: clinical testing. Allele origin: germline.
Comment: This variant is classified as likely benign based on ACMG/AMP sequence variant interpretation guidelines (Richards et al. 2015 PMID: 25741868, with internal and published modifications).